The following is an entry in ClinVar:

ClinVar aggregate classification (germline): Pathogenic (1 of 4 stars; one submission).

Conditions:
Nemaline myopathy 2 (NEM2). Also called: Nemaline myopathy 2, autosomal recessive. Identifiers: MedGen C1850569, MONDO:0009725, OMIM 256030.

Submission:

Labcorp Genetics (formerly Invitae), Labcorp
Classification: Pathogenic for Nemaline myopathy 2. Last evaluated: 2021-07-02. Review status: criteria provided, single submitter. Criteria: Invitae Variant Classification Sherloc (09022015). Collection method: clinical testing. Allele origin: germline.
Comment: This variant has not been reported in the literature in individuals affected with NEB-related conditions. For these reasons, this variant has been classified as Pathogenic. This variant is not present in population databases (ExAC no frequency). This sequence change creates a premature translational stop signal (p.Met7951Ilefs*15) in the NEB gene. It is expected to result in an absent or disrupted protein product. Loss-of-function variants in NEB are known to be pathogenic (PMID: 25205138).

Literature cited by the submitters: PubMed 25205138.

NM_001164508.2(NEB):c.23746_23747dup (p.Met7916fs)

Genes: NEB (nebulin; minus strand), RIF1 (replication timing regulatory factor 1; plus strand). Cytogenetic location: 2q23.3.
Variant type: Duplication.
Coding change: c.23746_23747dup on transcript NM_001164508.2 (MANE Select); coding-DNA positions 23746 to 23747, 2 bases duplicated (AT; older notation c.23746_23747dupAT).
Protein change: p.Met7916fs; shifts the reading frame from methionine 7916.
Molecular consequence: frameshift variant.
Genome position (GRCh38, 1-based): chr2:151,503,437-151,503,438, AT duplicated on the plus strand (AT on the coding strand, the reverse complement: NEB is on the minus strand); duplicating any 2 consecutive bases within chr2:151,503,437-151,503,439 gives the same sequence; the c. name uses the placement nearest the transcript's 3' end. VCF-style (leftmost placement, unchanged base first): chr2-151503436-C-CAT. GRCh37 (hg19) VCF-style: chr2-152359950-C-CAT.
Other names: c.23746_23747dup, p.Met7916fs (NM_001164507.2); c.23851_23852dup, p.Met7951fs (NM_001271208.2); c.18643_18644dup, p.Met6215fs (NM_004543.5); short protein forms M7916fs, M6215fs, M7951fs.
Identifiers: ClinVar variation 1395587 (VCV001395587.6), dbSNP rs2153115303, ClinGen allele CA2573133337.